The following is an entry in ClinVar:

ClinVar aggregate classification (germline): Uncertain significance (1 of 4 stars; one submission).

Allele frequency attached by ClinVar (database versions not stated): gnomAD exomes 0.00021; gnomAD 0.00048; ESP Exome Variant Server 0.00054; TOPMed 0.00063; ExAC 0.00078; 1000 Genomes Project 30x 0.00109; 1000 Genomes Project 0.00120.
gnomAD v4.1: 371 of 1,564,254 alleles (0.024%); highest among the groups gnomAD compares: East Asian, 0.49%; 3 homozygotes.

Submission:

Ambry Genetics
Classification: Uncertain significance. Last evaluated: 2024-09-13. Review status: criteria provided, single submitter. Criteria: Ambry Variant Classification Scheme 2023. Collection method: clinical testing. Allele origin: germline.
Comment: The p.P190L variant (also known as c.569C>T), located in coding exon 3 of the MNDA gene, results from a C to T substitution at nucleotide position 569. The proline at codon 190 is replaced by leucine, an amino acid with similar properties. This amino acid position is conserved. In addition, this alteration is predicted to be tolerated by in silico analysis. Since supporting evidence is limited at this time, the clinical significance of this alteration remains unclear.

NM_002432.3(MNDA):c.569C>T (p.Pro190Leu)

Gene: MNDA (myeloid cell nuclear differentiation antigen; plus strand). Cytogenetic location: 1q23.1.
Variant type: single nucleotide variant.
Coding change: c.569C>T on transcript NM_002432.3 (MANE Select); coding-DNA position 569, C replaced by T.
Protein change: p.Pro190Leu; replaces proline 190 with leucine.
Molecular consequence: missense variant.
Genome position (GRCh38, 1-based): chr1:158,844,121, C>T. VCF-style: chr1-158844121-C-T. GRCh37 (hg19) VCF-style: chr1-158813911-C-T.
Other names: short protein forms P190L.
Identifiers: ClinVar variation 1749127 (VCV001749127.3), dbSNP rs138480183, ClinGen allele CA1185634.